The following is an entry in ClinVar:

NM_004727.3(SLC24A1):c.2566G>C (p.Gly856Arg)

Gene: SLC24A1 (solute carrier family 24 member 1; plus strand). Cytogenetic location: 15q22.31.
Variant type: single nucleotide variant.
Coding change: c.2566G>C on transcript NM_004727.3 (MANE Select); coding-DNA position 2566, G replaced by C.
Protein change: p.Gly856Arg; replaces glycine 856 with arginine.
Molecular consequence: missense variant.
Genome position (GRCh38, 1-based): chr15:65,650,715, G>C. VCF-style: chr15-65650715-G-C. GRCh37 (hg19) VCF-style: chr15-65943053-G-C.
Other names: c.547G>C, p.Gly183Arg (NM_001254740.2); c.2566G>C, p.Gly856Arg (NM_001301031.1); c.2512G>C, p.Gly838Arg (NM_001301032.1, NM_001301033.2); short protein forms G838R, G183R, G856R.
Identifiers: ClinVar variation 1447043 (VCV001447043.9), dbSNP rs551408135, ClinGen allele CA271571310.

ClinVar aggregate classification (germline): Uncertain significance (1 of 4 stars; one submission).

Allele frequency attached by ClinVar (database versions not stated): 1000 Genomes Project 0.00020; gnomAD 0.00001; 1000 Genomes Project 30x 0.00016.
gnomAD v4.1: 1 of 1,563,866 alleles (0.000064%); highest among the groups gnomAD compares: Admixed American, 0.0019%; no homozygotes.

Submission:

Labcorp Genetics (formerly Invitae), Labcorp
Classification: Uncertain significance. Last evaluated: 2025-08-21. Review status: criteria provided, single submitter. Criteria: Invitae Variant Classification Sherloc (09022015). Collection method: clinical testing. Allele origin: germline.
Comment: This sequence change replaces glycine, which is neutral and non-polar, with arginine, which is basic and polar, at codon 856 of the SLC24A1 protein (p.Gly856Arg). This variant is not present in population databases (gnomAD no frequency). This variant has not been reported in the literature in individuals affected with SLC24A1-related conditions. ClinVar contains an entry for this variant (Variation ID: 1447043). An algorithm developed to predict the effect of missense changes on protein structure and function (PolyPhen-2) suggests that this variant is likely to be disruptive. In summary, the available evidence is currently insufficient to determine the role of this variant in disease. Therefore, it has been classified as a Variant of Uncertain Significance.